The following is an entry in ClinVar:

ClinVar aggregate classification (germline): Benign/Likely benign. Review status: criteria provided, multiple submitters, no conflicts (2 of 4 stars). 4 submissions from 4 submitters: Benign (2); Likely benign (2). Last evaluated 2025-12-16.

Conditions:
GP6-related disorder. Also called: GP6-related condition.

Allele frequency attached by ClinVar (database versions not stated): 1000 Genomes Project 0.00379; gnomAD exomes 0.00026 and 0.00078; ExAC 0.00104; ESP Exome Variant Server 0.00286; gnomAD 0.00309 and 0.00327; TOPMed 0.00350; 1000 Genomes Project 30x 0.00375.
gnomAD v4.1: 882 of 1,614,092 alleles (0.055%); highest among the groups gnomAD compares: African/African-American, 1.1%; 2 homozygotes.

Submissions (4):

Labcorp Genetics (formerly Invitae), Labcorp
Classification: Benign. Last evaluated: 2025-12-16. Review status: criteria provided, single submitter. Criteria: Invitae Variant Classification Sherloc (09022015). Collection method: clinical testing. Allele origin: germline.

PreventionGenetics, part of Exact Sciences
Classification: Likely benign for GP6-related condition. Last evaluated: 2025-11-13. Review status: criteria provided, single submitter. Criteria: ACMG Guidelines, 2015. Collection method: clinical testing. Allele origin: germline.
Comment: This variant is classified as likely benign based on ACMG/AMP sequence variant interpretation guidelines (Richards et al. 2015 PMID: 25741868, with internal and published modifications).

Mayo Clinic Laboratories, Mayo Clinic
Classification: Likely benign. Last evaluated: 2024-04-25. Review status: criteria provided, single submitter. Criteria: ACMG Guidelines, 2015. Collection method: clinical testing. Allele origin: germline. Observed: 3 variant alleles.
Comment: BS1, BP4

Breakthrough Genomics
Classification: Benign. Review status: criteria provided, single submitter. Criteria: ACMG Guidelines, 2015. Collection method: not provided. Allele origin: germline. Inheritance: Autosomal recessive inheritance. Affected: yes.

NM_016363.5(GP6):c.*435C>T

Gene: GP6 (glycoprotein VI platelet; minus strand). Cytogenetic location: 19q13.42.
Variant type: single nucleotide variant.
Coding change: c.*435C>T on transcript NM_016363.5 (MANE Select); 435 bases downstream of the stop codon, C replaced by T.
Molecular consequence: 3 prime UTR variant. On other transcripts: missense variant (1).
Genome position (GRCh38, 1-based): chr19:55,014,486, G>A on the plus strand (C>T on the coding strand, the complement: GP6 is on the minus strand). VCF-style: chr19-55014486-G-A. GRCh37 (hg19) VCF-style: chr19-55525854-G-A.
Other names: p.Pro487Ser; c.1459C>T, p.Pro487Ser (NM_001083899.2); c.*435C>T (NM_001256017.2); short protein forms P487S.
Identifiers: ClinVar variation 736596 (VCV000736596.12), dbSNP rs141737256, ClinGen allele CA310121266.